The following is an entry in ClinVar:

NM_000836.4(GRIN2D):c.2112G>T (p.Gln704His)

Gene: GRIN2D (glutamate ionotropic receptor NMDA type subunit 2D; plus strand). Cytogenetic location: 19q13.33.
Variant type: single nucleotide variant.
Coding change: c.2112G>T on transcript NM_000836.4 (MANE Select); coding-DNA position 2112, G replaced by T.
Protein change: p.Gln704His; replaces glutamine 704 with histidine.
Molecular consequence: missense variant.
Genome position (GRCh38, 1-based): chr19:48,421,805, G>T. VCF-style: chr19-48421805-G-T. GRCh37 (hg19) VCF-style: chr19-48925062-G-T.
Other names: short protein forms Q704H.
Identifiers: ClinVar variation 3038373 (VCV003038373.2), dbSNP rs2513676721, ClinGen allele CA406663718.

ClinVar aggregate classification (germline): Uncertain significance (0 of 4 stars; one submission).

Conditions:
GRIN2D-related disorder. Also called: GRIN2D-related condition.

Submission:

PreventionGenetics, part of Exact Sciences
Classification: Uncertain significance for GRIN2D-related condition. Last evaluated: 2023-12-07. Review status: no assertion criteria provided. Collection method: clinical testing. Allele origin: germline.
Comment: The GRIN2D c.2112G>T variant is predicted to result in the amino acid substitution p.Gln704His. To our knowledge, this variant has not been reported in the literature or in a large population database, indicating this variant is rare. At this time, the clinical significance of this variant is uncertain due to the absence of conclusive functional and genetic evidence.